The following is an entry in ClinVar:

NM_021930.6(RINT1):c.689+3A>G

Gene: RINT1 (RAD50 interactor 1; plus strand). Cytogenetic location: 7q22.3.
Variant type: single nucleotide variant.
Coding change: c.689+3A>G on transcript NM_021930.6 (MANE Select); 3 bases into the intron after coding-DNA position 689, A replaced by G.
Molecular consequence: intron variant.
Genome position (GRCh38, 1-based): chr7:105,547,086, A>G. VCF-style: chr7-105547086-A-G. GRCh37 (hg19) VCF-style: chr7-105187533-A-G.
Other names: c.-331+3A>G (NM_001346600.2); c.-234+3A>G (NM_001346601.2); c.-27-2969A>G (NM_001346603.2); c.455+3A>G (NM_001346599.2).
Identifiers: ClinVar variation 2168915 (VCV002168915.4), dbSNP rs546327710, ClinGen allele CA164055261.

ClinVar aggregate classification (germline): Uncertain significance (1 of 4 stars; one submission).

Allele frequency attached by ClinVar (database versions not stated): gnomAD exomes below 0.00001.
gnomAD v4.1: 2 of 1,613,692 alleles (0.00012%); highest among the groups gnomAD compares: East Asian, 0.0022%; no homozygotes.

Submission:

Labcorp Genetics (formerly Invitae), Labcorp
Classification: Uncertain significance. Last evaluated: 2024-02-24. Review status: criteria provided, single submitter. Criteria: Invitae Variant Classification Sherloc (09022015). Collection method: clinical testing. Allele origin: germline.
Comment: This sequence change falls in intron 5 of the RINT1 gene. It does not directly change the encoded amino acid sequence of the RINT1 protein. It affects a nucleotide within the consensus splice site. This variant is not present in population databases (gnomAD no frequency). This variant has not been reported in the literature in individuals affected with RINT1-related conditions. ClinVar contains an entry for this variant (Variation ID: 2168915). Variants that disrupt the consensus splice site are a relatively common cause of aberrant splicing (PMID: 17576681, 9536098). Algorithms developed to predict the effect of sequence changes on RNA splicing suggest that this variant is not likely to affect RNA splicing. In summary, the available evidence is currently insufficient to determine the role of this variant in disease. Therefore, it has been classified as a Variant of Uncertain Significance.

Literature cited by the submitters: PubMed 17576681; PubMed 9536098.